The following is an entry in ClinVar:

NM_058172.6(ANTXR2):c.*28C>T

Gene: ANTXR2 (ANTXR cell adhesion molecule 2; minus strand). Cytogenetic location: 4q21.21.
Variant type: single nucleotide variant.
Coding change: c.*28C>T on transcript NM_058172.6 (MANE Select); 28 bases downstream of the stop codon, C replaced by T.
Molecular consequence: 3 prime UTR variant.
Genome position (GRCh38, 1-based): chr4:79,907,401, G>A on the plus strand (C>T on the coding strand, the complement: ANTXR2 is on the minus strand). VCF-style: chr4-79907401-G-A. GRCh37 (hg19) VCF-style: chr4-80828555-G-A.
Other names: c.*28C>T (NM_001286780.2, NM_001286781.2).
Identifiers: ClinVar variation 905533 (VCV000905533.7), dbSNP rs61048419, ClinGen allele CA2981577.

ClinVar aggregate classification (germline): Benign. Review status: criteria provided, multiple submitters, no conflicts (2 of 4 stars). 3 submissions from 3 submitters: Benign (3). Last evaluated 2018-11-10.

Conditions:
Hyaline fibromatosis syndrome (HFS). Also called: Hyalinosis, Inherited Systemic; HYALINOSIS, SYSTEMIC. Identifiers: Orphanet 2028, Orphanet 498474, MedGen C5574677, MONDO:0009229, OMIM 228600.

Allele frequency attached by ClinVar (database versions not stated): gnomAD exomes 0.08261; ExAC 0.08701; 1000 Genomes Project 0.14337; ESP Exome Variant Server 0.14563; 1000 Genomes Project 30x 0.15069; TOPMed 0.15219.
gnomAD v4.1: 130,428 of 1,605,738 alleles (8.1%); highest among the groups gnomAD compares: African/African-American, 33%; 8,101 homozygotes.

Submissions (3):

GeneDx
Classification: Benign. Last evaluated: 2018-11-10. Review status: criteria provided, single submitter. Criteria: GeneDx Variant Classification Process June 2021. Collection method: clinical testing. Allele origin: germline. Affected: yes.

Illumina Laboratory Services, Illumina
Classification: Benign for Hyaline fibromatosis syndrome. Last evaluated: 2018-01-13. Review status: criteria provided, single submitter. Criteria: ICSL Variant Classification Criteria 13 December 2019. Collection method: clinical testing. Allele origin: germline.
Comment: This variant was observed in the ICSL laboratory as part of a predisposition screen in an ostensibly healthy population. It had not been previously curated by ICSL or reported in the Human Gene Mutation Database (HGMD: prior to June 1st, 2018), and was therefore a candidate for classification through an automated scoring system. Utilizing variant allele frequency, disease prevalence and penetrance estimates, and inheritance mode, an automated score was calculated to assess if this variant is too frequent to cause the disease. Based on the score and internal cut-off values, a variant classified as benign is not then subjected to further curation. The score for this variant resulted in a classification of benign for this disease.

Breakthrough Genomics
Classification: Benign. Review status: criteria provided, single submitter. Criteria: ACMG Guidelines, 2015. Collection method: not provided. Allele origin: germline. Inheritance: Autosomal recessive inheritance. Affected: yes.